The following is an entry in ClinVar:

NM_018297.4(NGLY1):c.1913A>G (p.Asn638Ser)

Gene: NGLY1 (N-glycanase 1; minus strand). Cytogenetic location: 3p24.2.
Variant type: single nucleotide variant.
Coding change: c.1913A>G on transcript NM_018297.4 (MANE Select); coding-DNA position 1913, A replaced by G.
Protein change: p.Asn638Ser; replaces asparagine 638 with serine.
Molecular consequence: missense variant. On other transcripts: 3 prime UTR variant (1).
Genome position (GRCh38, 1-based): chr3:25,719,512, T>C on the plus strand (A>G on the coding strand, the complement: NGLY1 is on the minus strand). VCF-style: chr3-25719512-T-C. GRCh37 (hg19) VCF-style: chr3-25761003-T-C.
Other names: c.1859A>G, p.Asn620Ser (NM_001145293.2); c.1787A>G, p.Asn596Ser (NM_001145294.2); c.*58A>G (NM_001145295.2); short protein forms N596S, N638S, N620S.
Identifiers: ClinVar variation 474220 (VCV000474220.5), dbSNP rs1553649841, ClinGen allele CA351893206.
Genomic context (GRCh38, chr3:25,719,512, plus strand): 5'-TCAGGTTCTCAAAGGTCACTGAATTTTATAATTATCTCCAAACAATTTTCTTCATGGTCA[T>C]TTAAGCTTTGTCTAAACAGCTGGGTGTGTTGCCAAGCGACATCACCATCTCCTCTGCTTA-3'
Protein context (NP_060767.2, residues 628-648): QHTQLFRQSL[Asn638Ser]DHEENCLEII

ClinVar aggregate classification (germline): Uncertain significance. Review status: criteria provided, multiple submitters, no conflicts (2 of 4 stars). 3 submissions from 3 submitters: Uncertain significance (3). Last evaluated 2024-01-19.

Conditions:
Congenital disorder of deglycosylation (CDDG). Identifiers: MedGen C3808991, MONDO:0031376.
Inborn genetic diseases. Identifiers: MedGen C0950123, MeSH D030342.

Submissions (3):

Ambry Genetics
Classification: Uncertain significance for Inborn genetic diseases. Last evaluated: 2024-01-19. Review status: criteria provided, single submitter. Criteria: Ambry Variant Classification Scheme 2023. Collection method: clinical testing. Allele origin: germline.

Labcorp Genetics (formerly Invitae), Labcorp
Classification: Uncertain significance for Congenital disorder of deglycosylation. Last evaluated: 2021-08-31. Review status: criteria provided, single submitter. Criteria: Invitae Variant Classification Sherloc (09022015). Collection method: clinical testing. Allele origin: germline.
Comment: This sequence change replaces asparagine with serine at codon 638 of the NGLY1 protein (p.Asn638Ser). The asparagine residue is weakly conserved and there is a small physicochemical difference between asparagine and serine. This variant is not present in population databases (ExAC no frequency). This variant has not been reported in the literature in individuals affected with NGLY1-related conditions. Algorithms developed to predict the effect of missense changes on protein structure and function output the following: SIFT: "Tolerated"; PolyPhen-2: "Benign"; Align-GVGD: "Class C0". The serine amino acid residue is found in multiple mammalian species, which suggests that this missense change does not adversely affect protein function. In summary, the available evidence is currently insufficient to determine the role of this variant in disease. Therefore, it has been classified as a Variant of Uncertain Significance.

GeneDx
Classification: Uncertain significance. Last evaluated: 2019-12-16. Review status: criteria provided, single submitter. Criteria: GeneDx Variant Classification Process June 2021. Collection method: clinical testing. Allele origin: germline. Affected: yes.
Comment: Not observed in large population cohorts (Lek et al., 2016); In silico analysis, which includes protein predictors and evolutionary conservation, supports that this variant does not alter protein structure/function; Has not been previously published as pathogenic or benign to our knowledge